The following is an entry in ClinVar:

ClinVar aggregate classification (germline): Benign/Likely benign. Review status: criteria provided, multiple submitters, no conflicts (2 of 4 stars). 6 submissions from 6 submitters: Benign (4); Likely benign (2). Last evaluated 2026-02-04.

Conditions:
Methylmalonic acidemia with homocystinuria, type cblJ (MAHCJ). Also called: METHYLMALONIC ACIDURIA AND HOMOCYSTINURIA, cblJ TYPE. Identifiers: Orphanet 369955, MedGen C3553915, MONDO:0013925, OMIM 614857.

Allele frequency attached by ClinVar (database versions not stated): gnomAD exomes 0.00638 and 0.01676; ExAC 0.02052; gnomAD 0.06330; 1000 Genomes Project 0.07268; TOPMed 0.07334; ESP Exome Variant Server 0.07473; 1000 Genomes Project 30x 0.07995.
gnomAD v4.1: 19,692 of 1,613,968 alleles (1.2%); highest among the groups gnomAD compares: African/African-American, 23%; 2,021 homozygotes.

Submissions (6):

Labcorp Genetics (formerly Invitae), Labcorp
Classification: Benign for Methylmalonic acidemia with homocystinuria, type cblJ. Last evaluated: 2026-02-04. Review status: criteria provided, single submitter. Criteria: Invitae Variant Classification Sherloc (09022015). Collection method: clinical testing. Allele origin: germline.

ARUP Laboratories, Molecular Genetics and Genomics, ARUP Laboratories
Classification: Benign for Methylmalonic acidemia with homocystinuria, type cblJ. Last evaluated: 2025-06-03. Review status: criteria provided, single submitter. Criteria: ARUP Molecular Germline Variant Investigation Process 2024. Collection method: clinical testing. Allele origin: germline.

Mayo Clinic Laboratories, Mayo Clinic
Classification: Benign. Last evaluated: 2022-07-26. Review status: criteria provided, single submitter. Criteria: ACMG Guidelines, 2015. Collection method: clinical testing. Allele origin: germline. Observed: 5 variant alleles.
Comment: BA1, BP4

Women's Health and Genetics/Laboratory Corporation of America, LabCorp
Classification: Likely benign. Last evaluated: 2021-12-10. Review status: criteria provided, single submitter. Criteria: LabCorp Variant Classification Summary - May 2015. Collection method: clinical testing. Allele origin: germline.

GeneDx
Classification: Benign. Last evaluated: 2016-02-23. Review status: criteria provided, single submitter. Criteria: GeneDx Variant Classification (06012015). Collection method: clinical testing. Allele origin: germline. Affected: yes.
Comment: This variant is considered likely benign or benign based on one or more of the following criteria: it is a conservative change, it occurs at a poorly conserved position in the protein, it is predicted to be benign by multiple in silico algorithms, and/or has population frequency not consistent with disease.

Breakthrough Genomics
Classification: Likely benign. Review status: criteria provided, single submitter. Criteria: ACMG Guidelines, 2015. Collection method: not provided. Allele origin: germline. Inheritance: Autosomal recessive inheritance. Affected: yes.

NM_005050.4(ABCD4):c.514G>A (p.Val172Ile)

Gene: ABCD4 (ATP binding cassette subfamily D member 4; minus strand). Cytogenetic location: 14q24.3.
Variant type: single nucleotide variant.
Coding change: c.514G>A on transcript NM_005050.4 (MANE Select); coding-DNA position 514, G replaced by A.
Protein change: p.Val172Ile; replaces valine 172 with isoleucine.
Molecular consequence: missense variant. On other transcripts: synonymous variant (3), 5 prime UTR variant (9), non-coding transcript variant (10).
Genome position (GRCh38, 1-based): chr14:74,296,361, C>T on the plus strand (G>A on the coding strand, the complement: ABCD4 is on the minus strand). VCF-style: chr14-74296361-C-T. GRCh37 (hg19) VCF-style: chr14-74763064-C-T.
Other names: p.Val172Ile; c.514G>A, p.Val172Ile (NM_001353591.2, NM_001353592.2, NM_020325.3); c.253G>A, p.Val85Ile (NM_001353593.2, NM_001353594.2); c.105G>A, p.Ser35= (NM_001353595.2, NM_001353596.2, NM_001353597.2); c.37G>A, p.Val13Ile (NM_001353598.2, NM_001353599.2, NM_001353600.2 and 2 more transcripts); c.-176G>A (NM_001353602.2, NM_001353608.2); c.-181G>A (NM_001353603.2, NM_001353604.2, NM_001353605.2 and 4 more transcripts); short protein forms V172I, V13I, V85I.
Identifiers: ClinVar variation 380499 (VCV000380499.15), dbSNP rs34992370, ClinGen allele CA7267195.